The following is an entry in ClinVar:

ClinVar aggregate classification (germline): Uncertain significance (1 of 4 stars; one submission).

Conditions:
Tay-Sachs disease (TSD). Also called: HEXA DEFICIENCY; GM2 gangliosidosis, type 1; Hexosaminidase alpha-subunit deficiency (variant B); Sphingolipidosis, Tay-Sachs; Hexosaminidase A Deficiency; HEXA Disorders. Identifiers: Orphanet 845, MedGen C0039373, MONDO:0010100, OMIM 272800.

gnomAD v4.1: 2 of 1,614,042 alleles (0.00012%); highest among the groups gnomAD compares: Admixed American, 0.0017%; no homozygotes.

Submission:

Labcorp Genetics (formerly Invitae), Labcorp
Classification: Uncertain significance for Tay-Sachs disease. Last evaluated: 2022-01-07. Review status: criteria provided, single submitter. Criteria: Invitae Variant Classification Sherloc (09022015). Collection method: clinical testing. Allele origin: germline.
Comment: This sequence change replaces glycine, which is neutral and non-polar, with aspartic acid, which is acidic and polar, at codon 428 of the HEXA protein (p.Gly428Asp). This variant is not present in population databases (gnomAD no frequency). This variant has not been reported in the literature in individuals affected with HEXA-related conditions. Algorithms developed to predict the effect of missense changes on protein structure and function are either unavailable or do not agree on the potential impact of this missense change (SIFT: "Deleterious"; PolyPhen-2: "Probably Damaging"; Align-GVGD: "Class C0"). In summary, the available evidence is currently insufficient to determine the role of this variant in disease. Therefore, it has been classified as a Variant of Uncertain Significance.

NM_000520.6(HEXA):c.1283G>A (p.Gly428Asp)

Gene: HEXA (hexosaminidase subunit alpha; minus strand). Cytogenetic location: 15q23.
Variant type: single nucleotide variant.
Coding change: c.1283G>A on transcript NM_000520.6 (MANE Select); coding-DNA position 1283, G replaced by A.
Protein change: p.Gly428Asp; replaces glycine 428 with aspartic acid.
Molecular consequence: missense variant.
Genome position (GRCh38, 1-based): chr15:72,346,574, C>T on the plus strand (G>A on the coding strand, the complement: HEXA is on the minus strand). VCF-style: chr15-72346574-C-T. GRCh37 (hg19) VCF-style: chr15-72638915-C-T.
Other names: c.1316G>A, p.Gly439Asp (NM_001318825.2); short protein forms G428D, G439D.
Identifiers: ClinVar variation 1491736 (VCV001491736.3), dbSNP rs2140320638, ClinGen allele CA393060601.
Genomic context (GRCh38, chr15:72,346,574, plus strand): 5'-TCTCTGCTTTCACCTTCAAATGCCAGGGGTTCCACTATGTAGAAATCCTTCCAGTCAGGG[C>T]CATAGGATATACGGTTCAGGTACCAGGGGGCAGAGAGAAGGGCCCGGAAGCCGGCCTTGG-3'
Protein context (NP_000511.2, residues 418-438): APWYLNRISY[Gly428Asp]PDWKDFYIVE